The following is an entry in ClinVar:

NM_001291303.3(FAT4):c.5849G>A (p.Ser1950Asn)

Gene: FAT4 (FAT atypical cadherin 4; plus strand). Cytogenetic location: 4q28.1.
Variant type: single nucleotide variant.
Coding change: c.5849G>A on transcript NM_001291303.3 (MANE Select); coding-DNA position 5849, G replaced by A.
Protein change: p.Ser1950Asn; replaces serine 1950 with asparagine.
Molecular consequence: missense variant.
Genome position (GRCh38, 1-based): chr4:125,408,723, G>A. VCF-style: chr4-125408723-G-A. GRCh37 (hg19) VCF-style: chr4-126329878-G-A.
Other names: c.5849G>A, p.Ser1950Asn (NM_001291285.3, NM_024582.6); short protein forms S1950N.
Identifiers: ClinVar variation 2150711 (VCV002150711.2), dbSNP rs775938488, ClinGen allele CA3072805.

ClinVar aggregate classification (germline): Uncertain significance (1 of 4 stars; one submission).

Allele frequency attached by ClinVar (database versions not stated): ExAC 0.00001; gnomAD exomes 0.00001.
gnomAD v4.1: 7 of 1,610,670 alleles (0.00043%); highest among the groups gnomAD compares: Admixed American, 0.01%; no homozygotes.

Submission:

Labcorp Genetics (formerly Invitae), Labcorp
Classification: Uncertain significance. Last evaluated: 2025-11-03. Review status: criteria provided, single submitter. Criteria: Invitae Variant Classification Sherloc (09022015). Collection method: clinical testing. Allele origin: germline.
Comment: This sequence change replaces serine, which is neutral and polar, with asparagine, which is neutral and polar, at codon 1950 of the FAT4 protein (p.Ser1950Asn). This variant is present in population databases (rs775938488, gnomAD 0.02%). This variant has not been reported in the literature in individuals affected with FAT4-related conditions. ClinVar contains an entry for this variant (Variation ID: 2150711). Invitae Evidence Modeling of protein sequence and biophysical properties (such as structural, functional, and spatial information, amino acid conservation, physicochemical variation, residue mobility, and thermodynamic stability) indicates that this missense variant is not expected to disrupt FAT4 protein function with a negative predictive value of 80%. In summary, the available evidence is currently insufficient to determine the role of this variant in disease. Therefore, it has been classified as a Variant of Uncertain Significance.